The following is an entry in ClinVar:

ClinVar aggregate classification (germline): Uncertain significance. Review status: criteria provided, multiple submitters, no conflicts (2 of 4 stars). 2 submissions from 2 submitters: Uncertain significance (2). Last evaluated 2024-12-05.

Allele frequency attached by ClinVar (database versions not stated): TOPMed 0.00002; gnomAD 0.00003; gnomAD exomes 0.00004; ExAC 0.00007.
gnomAD v4.1: 60 of 1,609,616 alleles (0.0037%); highest among the groups gnomAD compares: East Asian, 0.0045%; no homozygotes.

Submissions (2):

Ambry Genetics
Classification: Uncertain significance. Last evaluated: 2024-12-05. Review status: criteria provided, single submitter. Criteria: Ambry Variant Classification Scheme 2023. Collection method: clinical testing. Allele origin: germline.

Labcorp Genetics (formerly Invitae), Labcorp
Classification: Uncertain significance. Last evaluated: 2022-10-24. Review status: criteria provided, single submitter. Criteria: Invitae Variant Classification Sherloc (09022015). Collection method: clinical testing. Allele origin: germline.
Comment: This sequence change replaces valine, which is neutral and non-polar, with isoleucine, which is neutral and non-polar, at codon 2171 of the CELSR2 protein (p.Val2171Ile). This variant is present in population databases (rs760959194, gnomAD 0.04%). This variant has not been reported in the literature in individuals affected with CELSR2-related conditions. Advanced modeling of protein sequence and biophysical properties (such as structural, functional, and spatial information, amino acid conservation, physicochemical variation, residue mobility, and thermodynamic stability) performed at Invitae indicates that this missense variant is not expected to disrupt CELSR2 protein function. In summary, the available evidence is currently insufficient to determine the role of this variant in disease. Therefore, it has been classified as a Variant of Uncertain Significance.

NM_001408.3(CELSR2):c.6511G>A (p.Val2171Ile)

Gene: CELSR2 (cadherin EGF LAG seven-pass G-type receptor 2; plus strand). Cytogenetic location: 1p13.3.
Variant type: single nucleotide variant.
Coding change: c.6511G>A on transcript NM_001408.3 (MANE Select); coding-DNA position 6511, G replaced by A.
Protein change: p.Val2171Ile; replaces valine 2171 with isoleucine.
Molecular consequence: missense variant.
Genome position (GRCh38, 1-based): chr1:109,268,888, G>A. VCF-style: chr1-109268888-G-A. GRCh37 (hg19) VCF-style: chr1-109811510-G-A.
Other names: c.6511G>A (NM_001408.2); short protein forms V2171I.
Identifiers: ClinVar variation 1918499 (VCV001918499.6), dbSNP rs760959194, ClinGen allele CA987913.